The following is an entry in ClinVar:

ClinVar aggregate classification (germline): Uncertain significance (1 of 4 stars; one submission).

Allele frequency attached by ClinVar (database versions not stated): gnomAD exomes 0.00001.
gnomAD v4.1: 5 of 1,606,902 alleles (0.00031%); highest among the groups gnomAD compares: Non-Finnish European, 0.00043%; no homozygotes.

Submission:

Labcorp Genetics (formerly Invitae), Labcorp
Classification: Uncertain significance. Last evaluated: 2023-07-07. Review status: criteria provided, single submitter. Criteria: Invitae Variant Classification Sherloc (09022015). Collection method: clinical testing. Allele origin: germline.
Comment: This variant is not present in population databases (gnomAD no frequency). In summary, the available evidence is currently insufficient to determine the role of this variant in disease. Therefore, it has been classified as a Variant of Uncertain Significance. Advanced modeling of protein sequence and biophysical properties (such as structural, functional, and spatial information, amino acid conservation, physicochemical variation, residue mobility, and thermodynamic stability) has been performed at Invitae for this missense variant, however the output from this modeling did not meet the statistical confidence thresholds required to predict the impact of this variant on MYO5B protein function. ClinVar contains an entry for this variant (Variation ID: 1499607). This variant has not been reported in the literature in individuals affected with MYO5B-related conditions. This sequence change replaces leucine, which is neutral and non-polar, with histidine, which is basic and polar, at codon 314 of the MYO5B protein (p.Leu314His).

NM_001080467.3(MYO5B):c.941T>A (p.Leu314His)

Gene: MYO5B (myosin VB; minus strand). Cytogenetic location: 18q21.1.
Variant type: single nucleotide variant.
Coding change: c.941T>A on transcript NM_001080467.3 (MANE Select); coding-DNA position 941, T replaced by A.
Protein change: p.Leu314His; replaces leucine 314 with histidine.
Molecular consequence: missense variant.
Genome position (GRCh38, 1-based): chr18:49,984,723, A>T on the plus strand (T>A on the coding strand, the complement: MYO5B is on the minus strand). VCF-style: chr18-49984723-A-T. GRCh37 (hg19) VCF-style: chr18-47511093-A-T.
Other names: short protein forms L314H.
Identifiers: ClinVar variation 1499607 (VCV001499607.8), dbSNP rs2144300091, ClinGen allele CA402436443.